The following is an entry in ClinVar:

ClinVar aggregate classification (germline): Uncertain significance. Review status: criteria provided, multiple submitters, no conflicts (2 of 4 stars). 4 submissions from 4 submitters: Uncertain significance (4). Last evaluated 2026-03-09.

Conditions:
Neuronopathy, distal hereditary motor, autosomal dominant 11. Also called: NEUROPATHY, DISTAL HEREDITARY MOTOR, 11. Identifiers: MedGen C5882697, MONDO:0957875, OMIM 620528.
Developmental delay with or without epilepsy (DEVEP). Identifiers: MedGen C5882702, MONDO:0957815, OMIM 620540.
Developmental and epileptic encephalopathy, 5 (DEE5). Identifiers: Orphanet 3451, MedGen C3150731, MONDO:0013277, OMIM 613477.
Spastic paraplegia 91, autosomal dominant, with or without cerebellar ataxia (SPG91). Identifiers: MedGen C5882701, MONDO:0957813, OMIM 620538.

Allele frequency attached by ClinVar (database versions not stated): ExAC 0.00001.

Submissions (4):

Women's Health and Genetics/Laboratory Corporation of America, LabCorp
Classification: Uncertain significance. Last evaluated: 2026-03-09. Review status: criteria provided, single submitter. Criteria: LabCorp Variant Classification Summary - May 2015. Collection method: clinical testing. Allele origin: germline.
Comment: Variant summary: SPTAN1 c.1972A>C (p.Ser658Arg) results in a non-conservative amino acid change in the encoded protein sequence. Algorithms developed to predict the effect of missense changes on protein structure and function are either unavailable or do not agree on the potential impact of this missense change. The variant allele was found at a frequency of 4e-06 in 249218 control chromosomes. The available data on variant occurrences in the general population are insufficient to allow any conclusion about variant significance. To our knowledge, no occurrence of c.1972A>C in individuals affected with SPTAN1-related conditions and no experimental evidence demonstrating its impact on protein function have been reported. ClinVar contains an entry for this variant (Variation ID: 2582657). Based on the evidence outlined above, the variant was classified as uncertain significance.

GeneDx
Classification: Uncertain significance. Last evaluated: 2023-07-29. Review status: criteria provided, single submitter. Criteria: GeneDx Variant Classification Process June 2021. Collection method: clinical testing. Allele origin: germline. Affected: yes.
Comment: Not observed at significant frequency in large population cohorts (gnomAD); In silico analysis supports that this missense variant does not alter protein structure/function; Has not been previously published as pathogenic or benign to our knowledge

Baylor Genetics
Classification: Uncertain significance for Developmental and epileptic encephalopathy, 5. Last evaluated: 2023-07-19. Review status: criteria provided, single submitter. Criteria: ACMG Guidelines, 2015. Collection method: clinical testing. Allele origin: unknown.

Department of Pathology and Laboratory Medicine, Sinai Health System
Classification: Uncertain significance for Developmental and epileptic encephalopathy, 5; Neuronopathy, distal hereditary motor, autosomal dominant 11; Spastic paraplegia 91, autosomal dominant, with or without cerebellar ataxia; Developmental delay with or without epilepsy. Last evaluated: 2020-07-21. Review status: criteria provided, single submitter. Criteria: ACMG Guidelines, 2015. Collection method: research. Allele origin: germline.

NM_001130438.3(SPTAN1):c.1972A>C (p.Ser658Arg)

Gene: SPTAN1 (spectrin alpha, non-erythrocytic 1; plus strand). Cytogenetic location: 9q34.11.
Variant type: single nucleotide variant.
Coding change: c.1972A>C on transcript NM_001130438.3 (MANE Select); coding-DNA position 1972, A replaced by C.
Protein change: p.Ser658Arg; replaces serine 658 with arginine.
Molecular consequence: missense variant.
Genome position (GRCh38, 1-based): chr9:128,583,242, A>C. VCF-style: chr9-128583242-A-C. GRCh37 (hg19) VCF-style: chr9-131345521-A-C.
Other names: c.2008A>C, p.Ser670Arg (NM_001375318.1, NM_001375312.2); c.1972A>C, p.Ser658Arg (NM_003127.4, NM_001195532.2, NM_001363759.2 and 5 more transcripts); c.1972A>C (NM_001130438.2); short protein forms S658R, S670R.
Identifiers: ClinVar variation 2582657 (VCV002582657.4), dbSNP rs772073109, ClinGen allele CA5264546.